The following is an entry in ClinVar:

NM_001105206.3(LAMA4):c.4967G>A (p.Gly1656Glu)

Gene: LAMA4 (laminin subunit alpha 4; minus strand). Cytogenetic location: 6q21.
Variant type: single nucleotide variant.
Coding change: c.4967G>A on transcript NM_001105206.3 (MANE Select); coding-DNA position 4967, G replaced by A.
Protein change: p.Gly1656Glu; replaces glycine 1656 with glutamic acid.
Molecular consequence: missense variant.
Genome position (GRCh38, 1-based): chr6:112,117,753, C>T on the plus strand (G>A on the coding strand, the complement: LAMA4 is on the minus strand). VCF-style: chr6-112117753-C-T. GRCh37 (hg19) VCF-style: chr6-112438956-C-T.
Other names: c.4946G>A, p.Gly1649Glu (NM_001105207.3, NM_002290.5); c.4946G>A (NM_002290.3); short protein forms G1649E, G1656E.
Identifiers: ClinVar variation 1677481 (VCV001677481.4), dbSNP rs41289900, ClinGen allele CA144881616.

ClinVar aggregate classification (germline): Uncertain significance. Review status: criteria provided, multiple submitters, no conflicts (2 of 4 stars). 2 submissions from 2 submitters: Uncertain significance (2). Last evaluated 2025-08-19.

Conditions:
Cardiovascular phenotype. Identifiers: MedGen CN230736.

gnomAD v4.1: 6 of 1,613,348 alleles (0.00037%); highest among the groups gnomAD compares: African/African-American, 0.0013%; no homozygotes.

Submissions (2):

Ambry Genetics
Classification: Uncertain significance for Cardiovascular phenotype. Last evaluated: 2025-08-19. Review status: criteria provided, single submitter. Criteria: Ambry Variant Classification Scheme 2023. Collection method: clinical testing. Allele origin: germline.
Comment: The p.G1649E variant (also known as c.4946G>A), located in coding exon 34 of the LAMA4 gene, results from a G to A substitution at nucleotide position 4946. The glycine at codon 1649 is replaced by glutamic acid, an amino acid with similar properties. This amino acid position is highly conserved in available vertebrate species. In addition, this alteration is predicted to be deleterious by in silico analysis. The evidence for this gene-disease relationship is limited; therefore, the clinical significance of this alteration is unclear.

AiLife Diagnostics
Classification: Uncertain significance. Last evaluated: 2021-09-03. Review status: criteria provided, single submitter. Criteria: ACMG Guidelines, 2015. Collection method: clinical testing. Allele origin: germline. Affected: yes. Observed: 1 variant allele.